The following is an entry in ClinVar:

ClinVar aggregate classification (germline): Likely benign (1 of 4 stars; one submission).

Allele frequency attached by ClinVar (database versions not stated): ExAC 0.00004; TOPMed 0.00004; ESP Exome Variant Server 0.00008.
gnomAD v4.1: 58 of 1,613,230 alleles (0.0036%); highest among the groups gnomAD compares: African/African-American, 0.011%; no homozygotes.

Submission:

Laboratory for Molecular Medicine, Mass General Brigham Personalized Medicine
Classification: Likely benign. Last evaluated: 2013-02-21. Review status: criteria provided, single submitter. Criteria: LMM Criteria. Collection method: clinical testing. Allele origin: germline. Observed: 1 variant allele.
Comment: 42+14C>T in intron 1 of SFTPC: This variant is not expected to have clinical sig nificance because it is not located within the conserved splice consensus sequen ce. It has been identified in 1/4326 African American chromosomes from a broad p opulation by the NHLBI Exome Sequencing Project (S).

NM_001317778.2(SFTPC):c.42+14C>T

Gene: SFTPC (surfactant protein C; plus strand). Cytogenetic location: 8p21.3.
Variant type: single nucleotide variant.
Coding change: c.42+14C>T on transcript NM_001317778.2 (MANE Select); 14 bases into the intron after coding-DNA position 42, C replaced by T.
Molecular consequence: intron variant.
Genome position (GRCh38, 1-based): chr8:22,161,884, C>T. VCF-style: chr8-22161884-C-T. GRCh37 (hg19) VCF-style: chr8-22019397-C-T.
Other names: c.42+14C>T (NM_003018.4, NM_001172410.2, NM_001172357.2 and 2 more transcripts).
Identifiers: ClinVar variation 667158 (VCV000667158.4), dbSNP rs375113623, ClinGen allele CA4663858.